The following is an entry in ClinVar:

ClinVar aggregate classification (germline): Uncertain significance. Review status: criteria provided, multiple submitters, no conflicts (2 of 4 stars). 4 submissions from 4 submitters: Uncertain significance (4). Last evaluated 2024-10-25.

Conditions:
Inborn genetic diseases. Identifiers: MedGen C0950123, MeSH D030342.
Arterial calcification, generalized, of infancy, 2. Identifiers: Orphanet 51608, MedGen C3276161, MONDO:0013768, OMIM 614473.
Autosomal recessive inherited pseudoxanthoma elasticum (PXE). Identifiers: Orphanet 758, MedGen CN032334, MONDO:0009925, OMIM 264800.
Pseudoxanthoma elasticum, forme fruste. Also called: PSEUDOXANTHOMA ELASTICUM, HETEROZYGOUS; Pseudoxanthoma Elasticum, Incomplete. Identifiers: Orphanet 758, MedGen C1867450, MONDO:0008333, OMIM 177850.

Allele frequency attached by ClinVar (database versions not stated): ESP Exome Variant Server 0.00008.
gnomAD v4.1: 82 of 1,612,676 alleles (0.0051%); highest among the groups gnomAD compares: Middle Eastern, 0.049%; no homozygotes.

Submissions (4):

Blueprint Genetics
Classification: Uncertain significance. Last evaluated: 2024-10-25. Review status: criteria provided, single submitter. Criteria: ACMG Guidelines, 2015. Collection method: clinical testing. Allele origin: germline.

Ambry Genetics
Classification: Uncertain significance for Inborn genetic diseases. Last evaluated: 2024-08-28. Review status: criteria provided, single submitter. Criteria: Ambry Variant Classification Scheme 2023. Collection method: clinical testing. Allele origin: germline.

Fulgent Genetics
Classification: Uncertain significance for Pseudoxanthoma elasticum, forme fruste; Autosomal recessive inherited pseudoxanthoma elasticum; Arterial calcification, generalized, of infancy, 2. Last evaluated: 2024-06-20. Review status: criteria provided, single submitter. Criteria: ACMG Guidelines, 2015. Collection method: clinical testing. Allele origin: germline.

Labcorp Genetics (formerly Invitae), Labcorp
Classification: Uncertain significance. Last evaluated: 2022-09-27. Review status: criteria provided, single submitter. Criteria: Invitae Variant Classification Sherloc (09022015). Collection method: clinical testing. Allele origin: germline.
Comment: This sequence change replaces threonine, which is neutral and polar, with isoleucine, which is neutral and non-polar, at codon 1252 of the ABCC6 protein (p.Thr1252Ile). This variant is present in population databases (rs143212758, gnomAD 0.01%). This variant has not been reported in the literature in individuals affected with ABCC6-related conditions. ClinVar contains an entry for this variant (Variation ID: 1018800). Advanced modeling of protein sequence and biophysical properties (such as structural, functional, and spatial information, amino acid conservation, physicochemical variation, residue mobility, and thermodynamic stability) performed at Invitae indicates that this missense variant is not expected to disrupt ABCC6 protein function. In summary, the available evidence is currently insufficient to determine the role of this variant in disease. Therefore, it has been classified as a Variant of Uncertain Significance.

NM_001171.6(ABCC6):c.3755C>T (p.Thr1252Ile)

Gene: ABCC6 (ATP binding cassette subfamily C member 6; minus strand). Cytogenetic location: 16p13.11.
Variant type: single nucleotide variant.
Coding change: c.3755C>T on transcript NM_001171.6 (MANE Select); coding-DNA position 3755, C replaced by T.
Protein change: p.Thr1252Ile; replaces threonine 1252 with isoleucine.
Molecular consequence: missense variant. On other transcripts: non-coding transcript variant (1).
Genome position (GRCh38, 1-based): chr16:16,157,790, G>A on the plus strand (C>T on the coding strand, the complement: ABCC6 is on the minus strand). VCF-style: chr16-16157790-G-A. GRCh37 (hg19) VCF-style: chr16-16251647-G-A.
Other names: c.3413C>T, p.Thr1138Ile (NM_001351800.1); c.3755C>T (NM_001171.5); short protein forms T1138I, T1252I.
Identifiers: ClinVar variation 1018800 (VCV001018800.8), dbSNP rs143212758, ClinGen allele CA7925427.